The following is an entry in ClinVar:

NM_002408.4(MGAT2):c.1290G>A (p.Gly430=)

Gene: MGAT2 (alpha-1,6-mannosyl-glycoprotein 2-beta-N-acetylglucosaminyltransferase; plus strand). Cytogenetic location: 14q21.3.
Variant type: single nucleotide variant.
Coding change: c.1290G>A on transcript NM_002408.4 (MANE Select); coding-DNA position 1290, G replaced by A.
Protein change: p.Gly430=; no amino-acid change (glycine 430 retained).
Molecular consequence: synonymous variant.
Genome position (GRCh38, 1-based): chr14:49,622,558, G>A. VCF-style: chr14-49622558-G-A. GRCh37 (hg19) VCF-style: chr14-50089276-G-A.
Identifiers: ClinVar variation 682115 (VCV000682115.9), dbSNP rs144122741, ClinGen allele CA260660949.
Genomic context (GRCh38, chr14:49,622,558, plus strand): 5'-TCTAACTATCAGTGAAAAGTTTACTGTGGTAGCCATTTCCCCACCTAGAAAAAATGGAGG[G>A]TGGGGAGATATTAGGGACCATGAACTCTGTAAAAGTTATAGAAGACTGCAGTGAAAATCA-3'
Protein context (NP_002399.1, residues 420-440): VAISPPRKNG[Gly430=]WGDIRDHELC

ClinVar aggregate classification (germline): Likely benign. Review status: criteria provided, multiple submitters, no conflicts (2 of 4 stars). 3 submissions from 3 submitters: Likely benign (3). Last evaluated 2024-05-09.

Conditions:
MGAT2-congenital disorder of glycosylation. Also called: CDG IIa; Congenital disorder of glycosylation, type IIa; MENTAL RETARDATION, GROWTH RETARDATION, PROMINENT COLUMELLA, AND OPEN MOUTH; Alkuraya syndrome; MGAT2-CDG. Identifiers: Orphanet 79329, MedGen C2931008, MONDO:0008908, OMIM 212066.

Allele frequency attached by ClinVar (database versions not stated): TOPMed 0.00013; ESP Exome Variant Server 0.00015.

Submissions (3):

Women's Health and Genetics/Laboratory Corporation of America, LabCorp
Classification: Likely benign. Last evaluated: 2024-05-09. Review status: criteria provided, single submitter. Criteria: LabCorp Variant Classification Summary - May 2015. Collection method: clinical testing. Allele origin: germline.

Labcorp Genetics (formerly Invitae), Labcorp
Classification: Likely benign for MGAT2-congenital disorder of glycosylation. Last evaluated: 2020-11-04. Review status: criteria provided, single submitter. Criteria: Invitae Variant Classification Sherloc (09022015). Collection method: clinical testing. Allele origin: germline.

GeneDx
Classification: Likely benign. Last evaluated: 2018-04-23. Review status: criteria provided, single submitter. Criteria: GeneDx Variant Classification (06012015). Collection method: clinical testing. Allele origin: germline. Affected: yes.
Comment: This variant is considered likely benign or benign based on one or more of the following criteria: it is a conservative change, it occurs at a poorly conserved position in the protein, it is predicted to be benign by multiple in silico algorithms, and/or has population frequency not consistent with disease.